The following is an entry in ClinVar:

NM_000083.3(CLCN1):c.2491C>G (p.Gln831Glu)

Gene: CLCN1 (chloride voltage-gated channel 1; plus strand). Cytogenetic location: 7q34.
Variant type: single nucleotide variant.
Coding change: c.2491C>G on transcript NM_000083.3 (MANE Select); coding-DNA position 2491, C replaced by G.
Protein change: p.Gln831Glu; replaces glutamine 831 with glutamic acid.
Molecular consequence: missense variant. On other transcripts: non-coding transcript variant (1).
Genome position (GRCh38, 1-based): chr7:143,350,459, C>G. VCF-style: chr7-143350459-C-G. GRCh37 (hg19) VCF-style: chr7-143047552-C-G.
Other names: short protein forms Q831E.
Identifiers: ClinVar variation 3761091 (VCV003761091.2).
Genomic context (GRCh38, chr7:143,350,459, plus strand): 5'-AGCCAGCCTGTCTGTTTTGATTCCTGCTGTATTGACCAGTCTCCCTTCCAGCTGGTGGAG[C>G]AGACAACCCTGCACAAGGTGAGTCTTTTGCTGACTGCTCAGGGCTGTGGGGAAGGCAGGA-3'
Protein context (NP_000074.3, residues 821-841): IDQSPFQLVE[Gln831Glu]TTLHKTHTLF

ClinVar aggregate classification (germline): Uncertain significance (1 of 4 stars; one submission).

Conditions:
Congenital myotonia, autosomal dominant form (THD). Also called: THOMSEN DISEASE; Myotonia congenita autosomal dominant. Identifiers: Orphanet 614, MedGen C2936781, MONDO:0008055, OMIM 160800.
Congenital myotonia, autosomal recessive form. Also called: Becker Generalized Myotonia; myotonia congenita, autosomal recessive; BECKER DISEASE. Identifiers: Orphanet 614, MedGen C0751360, MONDO:0009715, OMIM 255700.

gnomAD v4.1: 9 of 1,613,954 alleles (0.00056%); highest among the groups gnomAD compares: Non-Finnish European, 0.00068%; no homozygotes.

Submission:

Labcorp Genetics (formerly Invitae), Labcorp
Classification: Uncertain significance for Congenital myotonia, autosomal recessive form; Congenital myotonia, autosomal dominant form. Last evaluated: 2024-11-15. Review status: criteria provided, single submitter. Criteria: Invitae Variant Classification Sherloc (09022015). Collection method: clinical testing. Allele origin: germline.
Comment: This sequence change replaces glutamine, which is neutral and polar, with glutamic acid, which is acidic and polar, at codon 831 of the CLCN1 protein (p.Gln831Glu). This variant is present in population databases (rs749682241, gnomAD 0.004%). This variant has not been reported in the literature in individuals affected with CLCN1-related conditions. Invitae Evidence Modeling of protein sequence and biophysical properties (such as structural, functional, and spatial information, amino acid conservation, physicochemical variation, residue mobility, and thermodynamic stability) has been performed for this missense variant. However, the output from this modeling did not meet the statistical confidence thresholds required to predict the impact of this variant on CLCN1 protein function. In summary, the available evidence is currently insufficient to determine the role of this variant in disease. Therefore, it has been classified as a Variant of Uncertain Significance.